The following is an entry in ClinVar:

NM_001042750.2(STAG2):c.1768C>G (p.Gln590Glu)

Gene: STAG2 (STAG2 cohesin complex component; plus strand). Cytogenetic location: Xq25.
Variant type: single nucleotide variant.
Coding change: c.1768C>G on transcript NM_001042750.2 (MANE Select); coding-DNA position 1768, C replaced by G.
Protein change: p.Gln590Glu; replaces glutamine 590 with glutamic acid.
Molecular consequence: missense variant.
Genome position (GRCh38, 1-based): chrX:124,063,152, C>G. VCF-style: chrX-124063152-C-G. GRCh37 (hg19) VCF-style: chrX-123197002-C-G.
Other names: c.1768C>G, p.Gln590Glu (NM_001042749.2, NM_001042751.2, NM_001282418.2 and 13 more transcripts); short protein forms Q590E.
Identifiers: ClinVar variation 1395463 (VCV001395463.8), dbSNP rs2148321044, ClinGen allele CA414272068.
Genomic context (GRCh38, chrX:124,063,152, plus strand): 5'-TAACGTGATCTTTATATTTCACAGTACTCTGTAGATGCAGAAAAGGTGACTAACTTGTTG[C>G]AGTTGCCTCAGTACTTTGATTTGGAAATATATACCACTGGACGATTAGAAAAGGTAAGAT-3'
Protein context (NP_001036215.1, residues 580-600): VDAEKVTNLL[Gln590Glu]LPQYFDLEIY

ClinVar aggregate classification (germline): Uncertain significance (1 of 4 stars; one submission).

Submission:

Labcorp Genetics (formerly Invitae), Labcorp
Classification: Uncertain significance. Last evaluated: 2022-10-05. Review status: criteria provided, single submitter. Criteria: Invitae Variant Classification Sherloc (09022015). Collection method: clinical testing. Allele origin: germline.
Comment: In summary, the available evidence is currently insufficient to determine the role of this variant in disease. Therefore, it has been classified as a Variant of Uncertain Significance. Advanced modeling of protein sequence and biophysical properties (such as structural, functional, and spatial information, amino acid conservation, physicochemical variation, residue mobility, and thermodynamic stability) performed at Invitae indicates that this missense variant is not expected to disrupt STAG2 protein function. ClinVar contains an entry for this variant (Variation ID: 1395463). This variant has not been reported in the literature in individuals affected with STAG2-related conditions. This variant is not present in population databases (gnomAD no frequency). This sequence change replaces glutamine, which is neutral and polar, with glutamic acid, which is acidic and polar, at codon 590 of the STAG2 protein (p.Gln590Glu).